The following is an entry in ClinVar:

ClinVar aggregate classification (germline): Likely benign. Review status: criteria provided, multiple submitters, no conflicts (2 of 4 stars). 3 submissions from 3 submitters: Likely benign (3). Last evaluated 2024-12-22.

Conditions:
Familial thoracic aortic aneurysm and aortic dissection (TAAD). Also called: Thoracic aortic aneurysms and dissections. Identifiers: Orphanet 91387, MedGen C4707243, MONDO:0019625.
NOTCH1-related disorder. Also called: NOTCH1-related condition; NOTCH1-related disorders.

Allele frequency attached by ClinVar (database versions not stated): gnomAD exomes below 0.00001.
gnomAD v4.1: 7 of 1,605,618 alleles (0.00044%); highest among the groups gnomAD compares: African/African-American, 0.008%; no homozygotes.

Submissions (3):

PreventionGenetics, part of Exact Sciences
Classification: Likely benign for NOTCH1-related condition. Last evaluated: 2024-12-22. Review status: criteria provided, single submitter. Criteria: ACMG Guidelines, 2015. Collection method: clinical testing. Allele origin: germline.
Comment: This variant is classified as likely benign based on ACMG/AMP sequence variant interpretation guidelines (Richards et al. 2015 PMID: 25741868, with internal and published modifications).

Blueprint Genetics
Classification: Likely benign. Last evaluated: 2022-08-29. Review status: criteria provided, single submitter. Criteria: ACMG Guidelines, 2015. Collection method: clinical testing. Allele origin: germline.

Ambry Genetics
Classification: Likely benign for Familial thoracic aortic aneurysm and aortic dissection. Last evaluated: 2017-09-21. Review status: criteria provided, single submitter. Criteria: Ambry Variant Classification Scheme 2023. Collection method: clinical testing. Allele origin: germline.

NM_017617.5(NOTCH1):c.4542C>T (p.Cys1514=)

Gene: NOTCH1 (notch receptor 1; minus strand). Cytogenetic location: 9q34.3.
Variant type: single nucleotide variant.
Coding change: c.4542C>T on transcript NM_017617.5 (MANE Select); coding-DNA position 4542, C replaced by T.
Protein change: p.Cys1514=; no amino-acid change (cysteine 1514 retained).
Molecular consequence: synonymous variant.
Genome position (GRCh38, 1-based): chr9:136,505,354, G>A on the plus strand (C>T on the coding strand, the complement: NOTCH1 is on the minus strand). VCF-style: chr9-136505354-G-A. GRCh37 (hg19) VCF-style: chr9-139399806-G-A.
Other names: c.4542C>T (NM_017617.4); c.4542C>T, p.Cys1514= (LRG_1122t1).
Identifiers: ClinVar variation 520073 (VCV000520073.7), dbSNP rs1554727957, ClinGen allele CA467832815.